The following is an entry in ClinVar:

ClinVar aggregate classification (germline): Uncertain significance (1 of 4 stars; one submission).

Conditions:
Nephronophthisis. Also called: Juvenile Nephronophthisis. Identifiers: Orphanet 655, MedGen C0687120, MONDO:0019005, HP:0000090.

Allele frequency attached by ClinVar (database versions not stated): gnomAD exomes below 0.00001 and 0.00002; gnomAD 0.00001; TOPMed 0.00001.
gnomAD v4.1: 29 of 1,613,274 alleles (0.0018%); highest among the groups gnomAD compares: Non-Finnish European, 0.0024%; no homozygotes.

Submission:

Labcorp Genetics (formerly Invitae), Labcorp
Classification: Uncertain significance for Nephronophthisis. Last evaluated: 2021-04-02. Review status: criteria provided, single submitter. Criteria: Invitae Variant Classification Sherloc (09022015). Collection method: clinical testing. Allele origin: germline.
Comment: In summary, the available evidence is currently insufficient to determine the role of this variant in disease. Therefore, it has been classified as a Variant of Uncertain Significance. This sequence change replaces threonine with serine at codon 839 of the NPHP3 protein (p.Thr839Ser). The threonine residue is weakly conserved and there is a small physicochemical difference between threonine and serine. This variant is not present in population databases (ExAC no frequency). This variant has not been reported in the literature in individuals with NPHP3-related conditions. Algorithms developed to predict the effect of missense changes on protein structure and function output the following: SIFT: "Tolerated"; PolyPhen-2: "Benign"; Align-GVGD: "Class C0". The serine amino acid residue is found in multiple mammalian species, suggesting that this missense change does not adversely affect protein function. These predictions have not been confirmed by published functional studies and their clinical significance is uncertain.

NM_153240.5(NPHP3):c.2516C>G (p.Thr839Ser)

Genes: NPHP3 (nephrocystin 3; minus strand), NPHP3-ACAD11 (NPHP3-ACAD11 readthrough (NMD candidate); minus strand). Cytogenetic location: 3q22.1.
Variant type: single nucleotide variant.
Coding change: c.2516C>G on transcript NM_153240.5 (MANE Select); coding-DNA position 2516, C replaced by G.
Protein change: p.Thr839Ser; replaces threonine 839 with serine.
Molecular consequence: missense variant. On other transcripts: non-coding transcript variant (1).
Genome position (GRCh38, 1-based): chr3:132,691,246, G>C on the plus strand (C>G on the coding strand, the complement: NPHP3 is on the minus strand). VCF-style: chr3-132691246-G-C. GRCh37 (hg19) VCF-style: chr3-132410090-G-C.
Other names: short protein forms T839S.
Identifiers: ClinVar variation 1426473 (VCV001426473.7), dbSNP rs1268939572, ClinGen allele CA354581124.